The following is an entry in ClinVar:

ClinVar aggregate classification (germline): Pathogenic. Review status: criteria provided, multiple submitters, no conflicts (2 of 4 stars). 2 submissions from 2 submitters: Pathogenic (2). Last evaluated 2024-05-08.

Conditions:
Primary ciliary dyskinesia 3. Identifiers: Orphanet 244, MedGen C1837618, MONDO:0012085, OMIM 608644.
Primary ciliary dyskinesia. Also called: Ciliary dyskinesia. Identifiers: Orphanet 244, MedGen C0008780, MONDO:0016575, HP:0012265.

Submissions (2):

Myriad Genetics, Inc.
Classification: Pathogenic for Primary ciliary dyskinesia 3. Last evaluated: 2024-05-08. Review status: criteria provided, single submitter. Criteria: Myriad Autosomal Dominant, Autosomal Recessive and X-Linked Classification Criteria (2023). Collection method: clinical testing. Allele origin: unknown.
Comment: NM_001369.2(DNAH5):c.5037T>A(C1679*) is expected to be pathogenic in the context of primary ciliary dyskinesia, DNAH5-related. This variant is predicted to lead to an abnormal or absent protein product due to the creation of a premature termination codon in DNAH5, a gene where loss-of-function variants are known to be pathogenic. Please note: this variant was assessed in the context of healthy population screening.

Labcorp Genetics (formerly Invitae), Labcorp
Classification: Pathogenic for Primary ciliary dyskinesia. Last evaluated: 2021-12-02. Review status: criteria provided, single submitter. Criteria: Invitae Variant Classification Sherloc (09022015). Collection method: clinical testing. Allele origin: germline.
Comment: This sequence change creates a premature translational stop signal (p.Cys1679*) in the DNAH5 gene. It is expected to result in an absent or disrupted protein product. Loss-of-function variants in DNAH5 are known to be pathogenic (PMID: 11788826, 16627867). This variant is not present in population databases (gnomAD no frequency). This variant has not been reported in the literature in individuals affected with DNAH5-related conditions. ClinVar contains an entry for this variant (Variation ID: 658359). For these reasons, this variant has been classified as Pathogenic.

Literature cited by the submitters: PubMed 11788826 (cited by Labcorp Genetics (formerly Invitae), Labcorp); PubMed 16627867 (cited by Labcorp Genetics (formerly Invitae), Labcorp).

NM_001369.3(DNAH5):c.5037T>A (p.Cys1679Ter)

Gene: DNAH5 (dynein axonemal heavy chain 5; minus strand). Cytogenetic location: 5p15.2.
Variant type: single nucleotide variant.
Coding change: c.5037T>A on transcript NM_001369.3 (MANE Select); coding-DNA position 5037, T replaced by A.
Protein change: p.Cys1679Ter; replaces cysteine 1679 with a stop codon.
Molecular consequence: nonsense.
Genome position (GRCh38, 1-based): chr5:13,850,729, A>T on the plus strand (T>A on the coding strand, the complement: DNAH5 is on the minus strand). VCF-style: chr5-13850729-A-T. GRCh37 (hg19) VCF-style: chr5-13850838-A-T.
Other names: short protein forms C1679*.
Identifiers: ClinVar variation 658359 (VCV000658359.8), dbSNP rs1580578744, ClinGen allele CA359217070.